The following is an entry in ClinVar:

NM_033026.6(PCLO):c.5804A>G (p.Asn1935Ser)

Gene: PCLO (piccolo presynaptic cytomatrix protein; minus strand). Cytogenetic location: 7q21.11.
Variant type: single nucleotide variant.
Coding change: c.5804A>G on transcript NM_033026.6 (MANE Select); coding-DNA position 5804, A replaced by G.
Protein change: p.Asn1935Ser; replaces asparagine 1935 with serine.
Molecular consequence: missense variant.
Genome position (GRCh38, 1-based): chr7:82,955,149, T>C on the plus strand (A>G on the coding strand, the complement: PCLO is on the minus strand). VCF-style: chr7-82955149-T-C. GRCh37 (hg19) VCF-style: chr7-82584465-T-C.
Other names: c.5804A>G, p.Asn1935Ser (NM_014510.3); short protein forms N1935S.
Identifiers: ClinVar variation 1384346 (VCV001384346.3), dbSNP rs779718190, ClinGen allele CA4320577.

ClinVar aggregate classification (germline): Uncertain significance (1 of 4 stars; one submission).

Allele frequency attached by ClinVar (database versions not stated): gnomAD 0.00001; gnomAD exomes 0.00001; TOPMed 0.00001; ExAC 0.00002.
gnomAD v4.1: 17 of 1,613,770 alleles (0.0011%); highest among the groups gnomAD compares: Admixed American, 0.0017%; no homozygotes.

Submission:

Labcorp Genetics (formerly Invitae), Labcorp
Classification: Uncertain significance. Last evaluated: 2022-07-05. Review status: criteria provided, single submitter. Criteria: Invitae Variant Classification Sherloc (09022015). Collection method: clinical testing. Allele origin: germline.
Comment: This sequence change replaces asparagine, which is neutral and polar, with serine, which is neutral and polar, at codon 1935 of the PCLO protein (p.Asn1935Ser). This variant is present in population databases (rs779718190, gnomAD 0.003%). This variant has not been reported in the literature in individuals affected with PCLO-related conditions. ClinVar contains an entry for this variant (Variation ID: 1384346). Algorithms developed to predict the effect of missense changes on protein structure and function output the following: SIFT: "Tolerated"; PolyPhen-2: "Not Available"; Align-GVGD: "Class C0". The serine amino acid residue is found in multiple mammalian species, which suggests that this missense change does not adversely affect protein function. In summary, the available evidence is currently insufficient to determine the role of this variant in disease. Therefore, it has been classified as a Variant of Uncertain Significance.